The following is an entry in ClinVar:

ClinVar aggregate classification (germline): Benign (0 of 4 stars; one submission).

Conditions:
SEC23IP-related disorder. Also called: SEC23IP-related condition.

Allele frequency attached by ClinVar (database versions not stated): 1000 Genomes Project 0.01398; 1000 Genomes Project 30x 0.01608.

Submission:

PreventionGenetics, part of Exact Sciences
Classification: Benign for SEC23IP-related condition. Last evaluated: 2019-06-21. Review status: no assertion criteria provided. Collection method: clinical testing. Allele origin: germline.
Comment: This variant is classified as benign based on ACMG/AMP sequence variant interpretation guidelines (Richards et al. 2015 PMID: 25741868, with internal and published modifications).

NM_007190.4(SEC23IP):c.1403-9C>A

Gene: SEC23IP (SEC23 interacting protein; plus strand). Cytogenetic location: 10q26.12.
Variant type: single nucleotide variant.
Coding change: c.1403-9C>A on transcript NM_007190.4 (MANE Select); 9 bases into the intron before coding-DNA position 1403, C replaced by A.
Molecular consequence: intron variant.
Genome position (GRCh38, 1-based): chr10:119,915,739, C>A. VCF-style: chr10-119915739-C-A. GRCh37 (hg19) VCF-style: chr10-121675251-C-A.
Other names: c.1403-9C>A (NM_001411070.1).
Identifiers: ClinVar variation 3042411 (VCV003042411.2), dbSNP rs201905641, ClinGen allele CA5718560.
Genomic context (GRCh38, chr10:119,915,739, plus strand): 5'-GTAACTGCTGACTAGCTATCAAGCTAGGAGAATTTAATTTATTTTCTCTTTTTTTTTTTT[C>A]TTTTGAAGTGGATGATTTTAGGGTGGTTTCTCTCAAATTGCTGCGGACACATTTCAAGAA-3'